The following is an entry in ClinVar:

ClinVar aggregate classification (germline): Likely pathogenic. Review status: criteria provided, multiple submitters, no conflicts (2 of 4 stars). 2 submissions from 2 submitters: Likely pathogenic (2). Last evaluated 2022-09-27.

Conditions:
Meckel-Gruber syndrome. Also called: DYSENCEPHALIA SPLANCHNOCYSTICA; GRUBER SYNDROME; Dysencephalia splachnocystica. Identifiers: Orphanet 564, MedGen C0265215, MONDO:0018921.
Joubert syndrome. Also called: CEREBELLOPARENCHYMAL DISORDER IV; JOUBERT-BOLTSHAUSER SYNDROME; Familial aplasia of the vermis. Identifiers: Orphanet 475, MedGen C5979921, MONDO:0018772.
Bardet-Biedl syndrome 13 (BBS13). Identifiers: Orphanet 110, MedGen C2673873, MONDO:0014441, OMIM 615990.

gnomAD v4.1: 1 of 1,614,198 alleles (0.000062%); no homozygotes.

Submissions (2):

Baylor Genetics
Classification: Likely pathogenic for Bardet-Biedl syndrome 13. Last evaluated: 2022-09-27. Review status: criteria provided, single submitter. Criteria: ACMG Guidelines, 2015. Collection method: clinical testing. Allele origin: unknown.

Labcorp Genetics (formerly Invitae), Labcorp
Classification: Likely pathogenic for Joubert syndrome; Meckel-Gruber syndrome. Last evaluated: 2021-05-27. Review status: criteria provided, single submitter. Criteria: Invitae Variant Classification Sherloc (09022015). Collection method: clinical testing. Allele origin: germline.
Comment: In summary, the currently available evidence indicates that the variant is pathogenic, but additional data are needed to prove that conclusively. Therefore, this variant has been classified as Likely Pathogenic. Algorithms developed to predict the effect of sequence changes on RNA splicing suggest that this variant may disrupt the consensus splice site, but this prediction has not been confirmed by published transcriptional studies. This variant has not been reported in the literature in individuals with MKS1-related conditions. This variant is not present in population databases (ExAC no frequency). This sequence change affects a donor splice site in intron 16 of the MKS1 gene. It is expected to disrupt RNA splicing. Variants that disrupt the donor or acceptor splice site typically lead to a loss of protein function (PMID: 16199547), and loss-of-function variants in MKS1 are known to be pathogenic (PMID: 19466712, 24886560, 26490104).

Literature cited by the submitters: PubMed 16199547 (cited by Labcorp Genetics (formerly Invitae), Labcorp); PubMed 19466712 (cited by Labcorp Genetics (formerly Invitae), Labcorp); PubMed 24886560 (cited by Labcorp Genetics (formerly Invitae), Labcorp); PubMed 26490104 (cited by Labcorp Genetics (formerly Invitae), Labcorp).

NM_017777.4(MKS1):c.1490+1G>A

Gene: MKS1 (MKS transition zone complex subunit 1; minus strand). Cytogenetic location: 17q22.
Variant type: single nucleotide variant.
Coding change: c.1490+1G>A on transcript NM_017777.4 (MANE Select); the canonical splice donor site of the intron after coding-DNA position 1490, G replaced by A.
Molecular consequence: splice donor variant. On other transcripts: intron variant (2).
Genome position (GRCh38, 1-based): chr17:58,206,464, C>T on the plus strand (G>A on the coding strand, the complement: MKS1 is on the minus strand). VCF-style: chr17-58206464-C-T. GRCh37 (hg19) VCF-style: chr17-56283825-C-T.
Other names: c.1274-84G>A (NM_001330397.2); c.1408-84G>A (NM_001321269.2); c.881+1G>A (NM_001321268.2).
Identifiers: ClinVar variation 1512327 (VCV001512327.9), dbSNP rs2143737350, ClinGen allele CA400324617.